The following is an entry in ClinVar:

NM_001385012.1(NBEA):c.411G>A (p.Trp137Ter)

Gene: NBEA (neurobeachin; plus strand). Cytogenetic location: 13q13.3.
Variant type: single nucleotide variant.
Coding change: c.411G>A on transcript NM_001385012.1 (MANE Select); coding-DNA position 411, G replaced by A.
Protein change: p.Trp137Ter; replaces tryptophan 137 with a stop codon.
Molecular consequence: nonsense.
Genome position (GRCh38, 1-based): chr13:35,041,049, G>A. VCF-style: chr13-35041049-G-A. GRCh37 (hg19) VCF-style: chr13-35615186-G-A.
Other names: c.411G>A, p.Trp137Ter (NM_001379245.1, NM_015678.5); short protein forms W137*.
Identifiers: ClinVar variation 2431923 (VCV002431923.1), dbSNP rs2502185013, ClinGen allele CA387979235.

ClinVar aggregate classification (germline): Likely pathogenic (1 of 4 stars; one submission).

Conditions:
Neurodevelopmental disorder with or without early-onset generalized epilepsy. Identifiers: MedGen C5436914, MONDO:0030930, OMIM 619157.

Submission:

Laboratorio de Genetica e Diagnostico Molecular, Hospital Israelita Albert Einstein
Classification: Likely pathogenic for Neurodevelopmental disorder with or without early-onset generalized epilepsy. Last evaluated: 2022-12-09. Review status: criteria provided, single submitter. Criteria: ACMG Guidelines, 2015. Collection method: clinical testing. Allele origin: germline. Affected: yes. Observed: 1 variant allele.
Comment: ACMG classification criteria: PVS1 very strong, PM2 moderated